The following is an entry in ClinVar:

NM_000051.4(ATM):c.1938A>G (p.Ser646=)

Gene: ATM (ATM serine/threonine kinase; plus strand). Cytogenetic location: 11q22.3.
Variant type: single nucleotide variant.
Coding change: c.1938A>G on transcript NM_000051.4 (MANE Select); coding-DNA position 1938, A replaced by G.
Protein change: p.Ser646=; no amino-acid change (serine 646 retained).
Molecular consequence: synonymous variant.
Genome position (GRCh38, 1-based): chr11:108,253,853, A>G. VCF-style: chr11-108253853-A-G. GRCh37 (hg19) VCF-style: chr11-108124580-A-G.
Other names: c.1938A>G, p.Ser646= (NM_001351834.2).
Identifiers: ClinVar variation 511364 (VCV000511364.15), dbSNP rs1376318521, ClinGen allele CA476672348.

ClinVar aggregate classification (germline): Benign/Likely benign. Review status: criteria provided, multiple submitters, no conflicts (2 of 4 stars). 4 submissions from 4 submitters: Benign (1); Likely benign (3). Last evaluated 2025-11-25.

Conditions:
Hereditary cancer-predisposing syndrome. Also called: Hereditary Cancer Syndrome; Tumor predisposition; Neoplastic Syndromes, Hereditary; Hereditary neoplastic syndrome. Identifiers: Orphanet 140162, MedGen C0027672, MeSH D009386, MONDO:0015356.
Familial cancer of breast. Also called: BREAST CANCER, FAMILIAL; Hereditary breast cancer; hereditary breast carcinoma. Identifiers: Orphanet 227535, MedGen C0346153, MONDO:0016419, OMIM 114480. Disease mechanism: loss of function.
Ataxia-telangiectasia syndrome (AT). Also called: Cerebello-oculocutaneous telangiectasia; Immunodeficiency with ataxia telangiectasia; AT, COMPLEMENTATION GROUP C; Ataxia-telangiectasia, complementation group D; LOUIS-BAR SYNDROME; Ataxia-telangiectasia, complementation group E. Identifiers: Orphanet 100, MedGen C0004135, MONDO:0008840, OMIM 208900.

Submissions (4):

Labcorp Genetics (formerly Invitae), Labcorp
Classification: Likely benign for Ataxia-telangiectasia syndrome. Last evaluated: 2025-11-25. Review status: criteria provided, single submitter. Criteria: Invitae Variant Classification Sherloc (09022015). Collection method: clinical testing. Allele origin: germline.

Myriad Genetics, Inc.
Classification: Benign for Familial cancer of breast. Last evaluated: 2024-05-02. Review status: criteria provided, single submitter. Criteria: Myriad Autosomal Dominant, Autosomal Recessive and X-Linked Classification Criteria (2023). Collection method: clinical testing. Allele origin: unknown.
Comment: This variant is considered benign. This variant is a silent/synonymous amino acid change and it is not expected to impact splicing.

Ambry Genetics
Classification: Likely benign for Hereditary cancer-predisposing syndrome. Last evaluated: 2019-01-23. Review status: criteria provided, single submitter. Criteria: Ambry Variant Classification Scheme 2023. Collection method: clinical testing. Allele origin: germline.

GeneDx
Classification: Likely benign. Last evaluated: 2017-08-11. Review status: criteria provided, single submitter. Criteria: GeneDx Variant Classification (06012015). Collection method: clinical testing. Allele origin: germline. Affected: yes.
Comment: This variant is considered likely benign or benign based on one or more of the following criteria: it is a conservative change, it occurs at a poorly conserved position in the protein, it is predicted to be benign by multiple in silico algorithms, and/or has population frequency not consistent with disease.